The following is an entry in ClinVar:

NM_032409.3(PINK1):c.737G>A (p.Arg246Gln)

Gene: PINK1 (PTEN induced kinase 1; plus strand). Cytogenetic location: 1p36.12.
Variant type: single nucleotide variant.
Coding change: c.737G>A on transcript NM_032409.3 (MANE Select); coding-DNA position 737, G replaced by A.
Protein change: p.Arg246Gln; replaces arginine 246 with glutamine.
Molecular consequence: missense variant.
Genome position (GRCh38, 1-based): chr1:20,639,953, G>A. VCF-style: chr1-20639953-G-A. GRCh37 (hg19) VCF-style: chr1-20966446-G-A.
Other names: short protein forms R246Q.
Identifiers: ClinVar variation 2060806 (VCV002060806.4), dbSNP rs375601968, ClinGen allele CA660513.

ClinVar aggregate classification (germline): Uncertain significance. Review status: criteria provided, multiple submitters, no conflicts (2 of 4 stars). 2 submissions from 2 submitters: Uncertain significance (2). Last evaluated 2022-11-15.

Conditions:
Autosomal recessive early-onset Parkinson disease 6 (PARK6). Also called: PINK1 Type of Young-Onset Parkinson Disease; PARKINSON DISEASE 6, EARLY-ONSET; PARKINSON DISEASE 6, MODIFIER OF; PINK1-Related Parkinson Disease. Identifiers: Orphanet 2828, MedGen C1853833, MONDO:0011613, OMIM 605909.

Allele frequency attached by ClinVar (database versions not stated): gnomAD exomes 0.00006; ESP Exome Variant Server 0.00008; TOPMed 0.00008; gnomAD 0.00009; 1000 Genomes Project 0.00020; ExAC 0.00020; 1000 Genomes Project 30x 0.00031.

Submissions (2):

Labcorp Genetics (formerly Invitae), Labcorp
Classification: Uncertain significance for Autosomal recessive early-onset Parkinson disease 6. Last evaluated: 2022-11-15. Review status: criteria provided, single submitter. Criteria: Invitae Variant Classification Sherloc (09022015). Collection method: clinical testing. Allele origin: germline.
Comment: This sequence change replaces arginine, which is basic and polar, with glutamine, which is neutral and polar, at codon 246 of the PINK1 protein (p.Arg246Gln). The frequency data for this variant in the population databases is considered unreliable, as metrics indicate poor data quality at this position in the gnomAD database. This variant has not been reported in the literature in individuals affected with PINK1-related conditions. Advanced modeling of protein sequence and biophysical properties (such as structural, functional, and spatial information, amino acid conservation, physicochemical variation, residue mobility, and thermodynamic stability) performed at Invitae indicates that this missense variant is not expected to disrupt PINK1 protein function. In summary, the available evidence is currently insufficient to determine the role of this variant in disease. Therefore, it has been classified as a Variant of Uncertain Significance.

Blueprint Genetics
Classification: Uncertain significance. Last evaluated: 2019-12-19. Review status: criteria provided, single submitter. Criteria: ACMG Guidelines, 2015. Collection method: clinical testing. Allele origin: germline.